The following is an entry in ClinVar:

ClinVar aggregate classification (germline): Pathogenic (0 of 4 stars; one submission).

Conditions:
Walker-Warburg congenital muscular dystrophy. Also called: Muscular dystrophy-dystroglycanopathy, type A; Walker-Warburg syndrome. Identifiers: Orphanet 899, MedGen C0265221, MONDO:0000171.

Submission:

Reproductive Health Research and Development, BGI Genomics
Classification: Pathogenic for Walker-Warburg congenital muscular dystrophy. Last evaluated: 2020-01-06. Review status: no assertion criteria provided. Collection method: curation. Allele origin: germline.
Comment: NM_001079802.1:c.1167_1168dup in the FKTN gene has an allele frequency of 0.008 in Ashkenazi Jewish subpopulation in the gnomAD database. This variant has been detected in a patient affected with limb girdle muscular dystrophy, in trans with mutation c.1363delG (PMID: 17044012). Godfrey et al. reported mutiple compound heterozygous in patients with SteroidResponsive Limb Girdle Muscular Dystrophy (PMID: 17044012). Taken together, we interprete this variant as Pathogenic/Likely pathogenic. ACMG/AMP Criteria applied: PVS1; PM3_Strong; PP4.

NM_001079802.2(FKTN):c.1167_1168dup (p.Phe390fs)

Gene: FKTN (fukutin; plus strand). Cytogenetic location: 9q31.2.
Variant type: Duplication.
Coding change: c.1167_1168dup on transcript NM_001079802.2 (MANE Select); coding-DNA positions 1167 to 1168, 2 bases duplicated (AT; older notation c.1167_1168dupAT).
Protein change: p.Phe390fs; shifts the reading frame from phenylalanine 390.
Molecular consequence: frameshift variant. On other transcripts: non-coding transcript variant (2).
Genome position (GRCh38, 1-based): chr9:105,620,056-105,620,057, AT duplicated. VCF-style (leftmost placement, unchanged base first): chr9-105620055-A-AAT. GRCh37 (hg19) VCF-style: chr9-108382336-A-AAT.
Other names: c.1167_1168dup, p.Phe390fs (NM_001198963.2, NM_001351496.2, NM_001351498.2 and 1 more transcripts); c.1098_1099dup, p.Phe367fs (NM_001351497.2); c.771_772dup, p.Phe258fs (NM_001351499.2, NM_001351500.2, NM_001351501.2 and 1 more transcripts); short protein forms F367fs, F258fs, F390fs.
Identifiers: ClinVar variation 804217 (VCV000804217.1), dbSNP rs1588222870, ClinGen allele CA915947079.